The following is an entry in ClinVar:

ClinVar aggregate classification (germline): Likely benign. Review status: criteria provided, single submitter (1 of 4 stars). 2 submissions from 2 submitters: Likely benign (1). 1 of the submissions does not count toward it. Last evaluated 2025-11-19.

Conditions:
DCHS1-related disorder. Also called: DCHS1-related condition.

Allele frequency attached by ClinVar (database versions not stated): gnomAD 0.00001; gnomAD exomes 0.00001; ExAC 0.00002.
gnomAD v4.1: 22 of 1,612,376 alleles (0.0014%); highest among the groups gnomAD compares: Admixed American, 0.013%; no homozygotes.

Submissions (2):

Labcorp Genetics (formerly Invitae), Labcorp
Classification: Likely benign. Last evaluated: 2025-11-19. Review status: criteria provided, single submitter. Criteria: Invitae Variant Classification Sherloc (09022015). Collection method: clinical testing. Allele origin: germline.

PreventionGenetics, part of Exact Sciences
Classification: Benign for DCHS1-related condition. Last evaluated: 2019-08-19. Review status: no assertion criteria provided. Collection method: clinical testing. Allele origin: germline. Not counted in ClinVar's aggregate classification.
Comment: This variant is classified as benign based on ACMG/AMP sequence variant interpretation guidelines (Richards et al. 2015 PMID: 25741868, with internal and published modifications).

NM_003737.4(DCHS1):c.7428C>T (p.Asn2476=)

Gene: DCHS1 (dachsous cadherin-related 1; minus strand). Cytogenetic location: 11p15.4.
Variant type: single nucleotide variant.
Coding change: c.7428C>T on transcript NM_003737.4 (MANE Select); coding-DNA position 7428, C replaced by T.
Protein change: p.Asn2476=; no amino-acid change (asparagine 2476 retained).
Molecular consequence: synonymous variant.
Genome position (GRCh38, 1-based): chr11:6,624,248, G>A on the plus strand (C>T on the coding strand, the complement: DCHS1 is on the minus strand). VCF-style: chr11-6624248-G-A. GRCh37 (hg19) VCF-style: chr11-6645479-G-A.
Other names: c.7428C>T (NM_003737.3).
Identifiers: ClinVar variation 2082789 (VCV002082789.6), dbSNP rs569335271, ClinGen allele CA5859606.
Genomic context (GRCh38, chr11:6,624,248, plus strand): 5'-GGGCAGGTCTTCAGTCACAGCCACACGGTAGTGTGACAATGTGAAGCTCGGGGCGTGGTC[G>A]TTCTGGTCCTGCAGCTGCACGTGCACTGTGGCTCGTGCTGCCCGGCCTGGAGCCCCGTGG-3'
Protein context (NP_003728.1, residues 2466-2486): ATVHVQLQDQ[Asn2476=]DHAPSFTLSH